The following is an entry in ClinVar:

ClinVar aggregate classification (germline): Uncertain significance (1 of 4 stars; one submission).

Allele frequency attached by ClinVar (database versions not stated): ExAC 0.00001; gnomAD 0.00001; gnomAD exomes 0.00001; TOPMed 0.00001.
gnomAD v4.1: 9 of 1,614,030 alleles (0.00056%); highest among the groups gnomAD compares: East Asian, 0.0045%; no homozygotes.

Submission:

Labcorp Genetics (formerly Invitae), Labcorp
Classification: Uncertain significance. Last evaluated: 2024-10-23. Review status: criteria provided, single submitter. Criteria: Invitae Variant Classification Sherloc (09022015). Collection method: clinical testing. Allele origin: germline.
Comment: This sequence change replaces aspartic acid, which is acidic and polar, with asparagine, which is neutral and polar, at codon 196 of the KCNK4 protein (p.Asp196Asn). This variant is present in population databases (rs761711965, gnomAD 0.01%). This variant has not been reported in the literature in individuals affected with KCNK4-related conditions. ClinVar contains an entry for this variant (Variation ID: 1389204). An algorithm developed to predict the effect of missense changes on protein structure and function outputs the following: PolyPhen-2: "Benign". The asparagine amino acid residue is found in multiple mammalian species, which suggests that this missense change does not adversely affect protein function. In summary, the available evidence is currently insufficient to determine the role of this variant in disease. Therefore, it has been classified as a Variant of Uncertain Significance.

NM_033310.3(KCNK4):c.586G>A (p.Asp196Asn)

Genes: KCNK4 (potassium two pore domain channel subfamily K member 4; plus strand), KCNK4-CATSPERZ (KCNK4-CATSPERZ readthrough (NMD candidate); plus strand). Cytogenetic location: 11q13.1.
Variant type: single nucleotide variant.
Coding change: c.586G>A on transcript NM_033310.3 (MANE Select); coding-DNA position 586, G replaced by A.
Protein change: p.Asp196Asn; replaces aspartic acid 196 with asparagine.
Molecular consequence: missense variant. On other transcripts: non-coding transcript variant (1).
Genome position (GRCh38, 1-based): chr11:64,297,578, G>A. VCF-style: chr11-64297578-G-A. GRCh37 (hg19) VCF-style: chr11-64065050-G-A.
Other names: c.586G>A, p.Asp196Asn (NM_001317090.2); short protein forms D196N.
Identifiers: ClinVar variation 1389204 (VCV001389204.6), dbSNP rs761711965, ClinGen allele CA6073105.
Genomic context (GRCh38, chr11:64,297,578, plus strand): 5'-CTGCTGATCGGCTGCCTGCTCTTTGTCCTCACGCCCACGTTCGTGTTCTGCTATATGGAG[G>A]ACTGGAGCAAGCTGGAGGCCATCTACTTTGTCATAGTGACGCTTACCACCGTGGGCTTTG-3'
Protein context (NP_201567.1, residues 186-206): TPTFVFCYME[Asp196Asn]WSKLEAIYFV